The following is an entry in ClinVar:

ClinVar aggregate classification (germline): Pathogenic (1 of 4 stars; one submission).

Conditions:
LAMA2-related muscular dystrophy (LAMA2-RD). Also called: Laminin alpha 2-related dystrophy. Identifiers: MedGen C5679788, MONDO:0100228.

Allele frequency attached by ClinVar (database versions not stated): gnomAD exomes below 0.00001.
gnomAD v4.1: 3 of 1,613,756 alleles (0.00019%); highest among the groups gnomAD compares: South Asian, 0.0011%; no homozygotes.

Submission:

Labcorp Genetics (formerly Invitae), Labcorp
Classification: Pathogenic for LAMA2-related muscular dystrophy. Last evaluated: 2022-12-21. Review status: criteria provided, single submitter. Criteria: Invitae Variant Classification Sherloc (09022015). Collection method: clinical testing. Allele origin: germline.
Comment: This variant is not present in population databases (gnomAD no frequency). For these reasons, this variant has been classified as Pathogenic. This variant has not been reported in the literature in individuals affected with LAMA2-related conditions. This sequence change creates a premature translational stop signal (p.Trp1049*) in the LAMA2 gene. It is expected to result in an absent or disrupted protein product. Loss-of-function variants in LAMA2 are known to be pathogenic (PMID: 18700894, 32904964).

Literature cited by the submitters: PubMed 18700894; PubMed 32904964.

NM_000426.4(LAMA2):c.3146G>A (p.Trp1049Ter)

Gene: LAMA2 (laminin subunit alpha 2; plus strand). Cytogenetic location: 6q22.33.
Variant type: single nucleotide variant.
Coding change: c.3146G>A on transcript NM_000426.4 (MANE Select); coding-DNA position 3146, G replaced by A.
Protein change: p.Trp1049Ter; replaces tryptophan 1049 with a stop codon.
Molecular consequence: nonsense.
Genome position (GRCh38, 1-based): chr6:129,300,844, G>A. VCF-style: chr6-129300844-G-A. GRCh37 (hg19) VCF-style: chr6-129621989-G-A.
Other names: c.3146G>A, p.Trp1049Ter (NM_001079823.2); short protein forms W1049*.
Identifiers: ClinVar variation 3018039 (VCV003018039.3), dbSNP rs2482348803, ClinGen allele CA365611545.